The following is an entry in ClinVar:

ClinVar aggregate classification (germline): Uncertain significance. Review status: criteria provided, multiple submitters, no conflicts (2 of 4 stars). 3 submissions from 3 submitters: Uncertain significance (3). Last evaluated 2026-09-16.

Conditions:
Cohen syndrome (COH1). Also called: Cutis verticis gyrata, retinitis pigmentosa, and sensorineural deafness; PEPPER SYNDROME. Identifiers: Orphanet 193, MedGen C0265223, MONDO:0008999, OMIM 216550.
VPS13B-related disorder. Also called: VPS13B-related condition.
Inborn genetic diseases. Identifiers: MedGen C0950123, MeSH D030342.

gnomAD v4.1: 2 of 1,613,906 alleles (0.00012%); highest among the groups gnomAD compares: Admixed American, 0.0033%; no homozygotes.

Submissions (3):

PreventionGenetics, part of Exact Sciences
Classification: Uncertain significance for VPS13B-related condition. Last evaluated: 2026-09-16. Review status: criteria provided, single submitter. Criteria: ACMG Guidelines, 2015. Collection method: clinical testing. Allele origin: germline.
Comment: The VPS13B c.3252C>A variant is predicted to result in the amino acid substitution p.Ser1084Arg. To our knowledge, this variant has not been reported in the literature. This variant is reported in 0.0058% of alleles in individuals of Latino descent in gnomAD. At this time, the clinical significance of this variant is uncertain due to the absence of conclusive functional and genetic evidence.

Ambry Genetics
Classification: Uncertain significance for Inborn genetic diseases. Last evaluated: 2025-06-06. Review status: criteria provided, single submitter. Criteria: Ambry Variant Classification Scheme 2023. Collection method: clinical testing. Allele origin: germline.

Labcorp Genetics (formerly Invitae), Labcorp
Classification: Uncertain significance for Cohen syndrome. Last evaluated: 2022-08-27. Review status: criteria provided, single submitter. Criteria: Invitae Variant Classification Sherloc (09022015). Collection method: clinical testing. Allele origin: germline.
Comment: This sequence change replaces serine, which is neutral and polar, with arginine, which is basic and polar, at codon 1084 of the VPS13B protein (p.Ser1084Arg). This variant is present in population databases (no rsID available, gnomAD 0.006%). This variant has not been reported in the literature in individuals affected with VPS13B-related conditions. Algorithms developed to predict the effect of missense changes on protein structure and function are either unavailable or do not agree on the potential impact of this missense change (SIFT: "Not Available"; PolyPhen-2: "Probably Damaging"; Align-GVGD: "Not Available"). In summary, the available evidence is currently insufficient to determine the role of this variant in disease. Therefore, it has been classified as a Variant of Uncertain Significance.

NM_152564.5(VPS13B):c.3252C>A (p.Ser1084Arg)

Gene: VPS13B (vacuolar protein sorting 13 homolog B; plus strand). Cytogenetic location: 8q22.2.
Variant type: single nucleotide variant.
Coding change: c.3252C>A on transcript NM_152564.5 (MANE Select); coding-DNA position 3252, C replaced by A.
Protein change: p.Ser1084Arg; replaces serine 1084 with arginine.
Molecular consequence: missense variant.
Genome position (GRCh38, 1-based): chr8:99,442,442, C>A. VCF-style: chr8-99442442-C-A. GRCh37 (hg19) VCF-style: chr8-100454670-C-A.
Other names: c.3252C>A, p.Ser1084Arg (NM_017890.5); c.3252C>A (NM_017890.3); short protein forms S1084R.
Identifiers: ClinVar variation 2038222 (VCV002038222.3), dbSNP rs763011957, ClinGen allele CA371870419.